The following is an entry in ClinVar:

Single allele

Variant type: Deletion.
Identifiers: ClinVar variation 156949 (VCV000156949.2).

ClinVar aggregate classification (germline): not provided (0 of 4 stars; one submission).

Conditions:
Gestational diabetes mellitus uncontrolled. Identifiers: MedGen C3532257.

Submission:

Institute of Molecular and Cell Biology, University of Tartu
No classification provided. Condition: Gestational diabetes mellitus uncontrolled. Review status: no classification provided. Collection method: case-control. Allele origin: unknown. Affected: yes. Study: Kasak2014.
Comment: The study aimed to determine the contribution of copy number variants in the genetic etiology of normal and complicated pregnancies. The samples represented (i) maternal blood DNA drawn from healthy pregnant women during 1st or 2nd trimester and (ii) maternal and paternal blood DNA drawn at term pregnancy cases representing normal and complicated gestations (severe preeclampsia, PE; gestational diabetes, GD; small-for-gestational age newborn, SGA; large-for-gestational age newborn, LGA). We performed CNV calling based on genome-wide genotyping dataset (Illumina HumanOmniExpress-24-v1 BeadChip) by applying three algorithms, QuantiSNP, GADA (Genome Alteration Detection Algorithm) and CNstream in parallel. The acquired CNV calls were merged with HD-CNV (Hotspot Detector for Copy Number Variants) program and only the CNVs predicted by at least two programs, were considered in subsequent analysis.

Literature cited by the submitters: PubMed 25666259.